The following is an entry in ClinVar:

NM_005051.3(QARS1):c.1757A>G (p.Lys586Arg)

Gene: QARS1 (glutaminyl-tRNA synthetase 1; minus strand). Cytogenetic location: 3p21.31.
Variant type: single nucleotide variant.
Coding change: c.1757A>G on transcript NM_005051.3 (MANE Select); coding-DNA position 1757, A replaced by G.
Protein change: p.Lys586Arg; replaces lysine 586 with arginine.
Molecular consequence: missense variant. On other transcripts: non-coding transcript variant (1).
Genome position (GRCh38, 1-based): chr3:49,099,111, T>C on the plus strand (A>G on the coding strand, the complement: QARS1 is on the minus strand). VCF-style: chr3-49099111-T-C. GRCh37 (hg19) VCF-style: chr3-49136544-T-C.
Other names: c.1724A>G, p.Lys575Arg (NM_001272073.2); short protein forms K586R, K575R.
Identifiers: ClinVar variation 1432139 (VCV001432139.8), dbSNP rs2107098749, ClinGen allele CA352701809.
Genomic context (GRCh38, chr3:49,099,111, plus strand): 5'-AGCCAAGTGTACCCCCAGCTACACACACACATGTGACACACATGTTGAGGCAGGCCCACC[T>C]TGGCAGCAGGAAAGTTGGTGATGATGACCCGTAGTGACTCCAGCACAGCCATGGCTCGTG-3'
Protein context (NP_005042.1, residues 576-596): RVIITNFPAA[Lys586Arg]SLDIQVPNFP

ClinVar aggregate classification (germline): Uncertain significance (1 of 4 stars; one submission).

Conditions:
Diffuse cerebral and cerebellar atrophy - intractable seizures - progressive microcephaly syndrome. Also called: Microcephaly, progressive, with seizures and cerebral and cerebellar atrophy. Identifiers: Orphanet 404437, MedGen C4014239, MONDO:0014335, OMIM 615760.

Submission:

Labcorp Genetics (formerly Invitae), Labcorp
Classification: Uncertain significance for Diffuse cerebral and cerebellar atrophy - intractable seizures - progressive microcephaly syndrome. Last evaluated: 2021-06-28. Review status: criteria provided, single submitter. Criteria: Invitae Variant Classification Sherloc (09022015). Collection method: clinical testing. Allele origin: germline.
Comment: This variant is not present in population databases (ExAC no frequency). This sequence change replaces lysine with arginine at codon 586 of the QARS protein (p.Lys586Arg). The lysine residue is moderately conserved and there is a small physicochemical difference between lysine and arginine. This variant has not been reported in the literature in individuals affected with QARS-related conditions. In summary, the available evidence is currently insufficient to determine the role of this variant in disease. Therefore, it has been classified as a Variant of Uncertain Significance. Algorithms developed to predict the effect of sequence changes on RNA splicing suggest that this variant may disrupt the consensus splice site. Algorithms developed to predict the effect of missense changes on protein structure and function (SIFT, PolyPhen-2, Align-GVGD) all suggest that this variant is likely to be tolerated.